The following is an entry in ClinVar:

ClinVar aggregate classification (germline): Uncertain significance (1 of 4 stars; one submission).

Allele frequency attached by ClinVar (database versions not stated): TOPMed 0.00002; gnomAD 0.00003.
gnomAD v4.1: 5 of 1,613,870 alleles (0.00031%); highest among the groups gnomAD compares: African/African-American, 0.0053%; no homozygotes.

Submission:

Labcorp Genetics (formerly Invitae), Labcorp
Classification: Uncertain significance. Last evaluated: 2022-09-16. Review status: criteria provided, single submitter. Criteria: Invitae Variant Classification Sherloc (09022015). Collection method: clinical testing. Allele origin: germline.
Comment: In summary, the available evidence is currently insufficient to determine the role of this variant in disease. Therefore, it has been classified as a Variant of Uncertain Significance. Algorithms developed to predict the effect of missense changes on protein structure and function are either unavailable or do not agree on the potential impact of this missense change (SIFT: "Deleterious"; PolyPhen-2: "Benign"; Align-GVGD: "Class C0"). This variant has not been reported in the literature in individuals affected with HMCN1-related conditions. This variant is not present in population databases (gnomAD no frequency). This sequence change replaces isoleucine, which is neutral and non-polar, with asparagine, which is neutral and polar, at codon 30 of the HMCN1 protein (p.Ile30Asn).

NM_031935.3(HMCN1):c.89T>A (p.Ile30Asn)

Gene: HMCN1 (hemicentin 1; plus strand). Cytogenetic location: 1q25.3.
Variant type: single nucleotide variant.
Coding change: c.89T>A on transcript NM_031935.3 (MANE Select); coding-DNA position 89, T replaced by A.
Protein change: p.Ile30Asn; replaces isoleucine 30 with asparagine.
Molecular consequence: missense variant.
Genome position (GRCh38, 1-based): chr1:185,734,868, T>A. VCF-style: chr1-185734868-T-A. GRCh37 (hg19) VCF-style: chr1-185704000-T-A.
Other names: short protein forms I30N.
Identifiers: ClinVar variation 1939942 (VCV001939942.5), dbSNP rs777116837, ClinGen allele CA344058048.